The following is an entry in ClinVar:

NM_001130987.2(DYSF):c.5276del (p.Arg1759fs)

Gene: DYSF (dysferlin; plus strand). Cytogenetic location: 2p13.2.
Variant type: Deletion.
Coding change: c.5276del on transcript NM_001130987.2 (MANE Select); coding-DNA position 5276, one base deleted (G; older notation c.5276delG).
Protein change: p.Arg1759fs; shifts the reading frame from arginine 1759.
Molecular consequence: frameshift variant.
Genome position (GRCh38, 1-based): chr2:71,665,263, G deleted. VCF-style (leftmost placement, unchanged base first): chr2-71665262-CG-C. GRCh37 (hg19) VCF-style: chr2-71892392-CG-C.
Other names: NM_003494.4:c.5159del; c.5162del, p.Arg1721fs (NM_001130455.2); c.5117del, p.Arg1706fs (NM_001130976.2); c.5180del, p.Arg1727fs (NM_001130977.2); c.5222del, p.Arg1741fs (NM_001130978.2); c.5252del, p.Arg1751fs (NM_001130979.2); c.5210del, p.Arg1737fs (NM_001130980.2); c.5273del, p.Arg1758fs (NM_001130981.2); and 6 more; short protein forms R1706fs, R1707fs, R1720fs, R1721fs, R1727fs, R1728fs, R1737fs, R1738fs.
Identifiers: ClinVar variation 3775115 (VCV003775115.1).

ClinVar aggregate classification (germline): Pathogenic (3 of 4 stars; one submission).

Conditions:
Autosomal recessive limb-girdle muscular dystrophy. Identifiers: Orphanet 102015, MedGen C2931907, MONDO:0015152.

Submission:

ClinGen Limb Girdle Muscular Dystrophy Variant Curation Expert Panel, ClinGen
Classification: Pathogenic for Autosomal recessive limb-girdle muscular dystrophy. Last evaluated: 2025-02-25. Review status: reviewed by expert panel. Criteria: ClinGen LGMD VCEP ACMG Specifications DYSF V1.0.0. Collection method: curation. Allele origin: germline. Inheritance: Autosomal recessive inheritance.
Comment: The NM_003494.4: c.5159del p.(Arg1720LeufsTer2) variant in DYSF, which is also known as NM_001130987.2: c.5276del p.(Arg1759LeufsTer2), is a frameshift variant predicted to cause a premature stop codon in biologically relevant exon 46/55, leading to nonsense mediated decay in a gene in which loss of function is an established disease mechanism (PVS1). This variant has been reported in one individual with a diagnosis of Miyoshi myopathy, where it was identified in unknown phase with a second DYSF variant that can be classified as likely pathogenic independent of its observation in this patient (NM_003494.4: c.125dup p.(Asn43GlufsTer6), 0.25 pts, PMID: 36983702; PM3_Supporting not met). This patient showed both progressive limb girdle muscle weakness and disease range dysferlin expression in blood monocytes (PMID: 36983702, Jain Foundation Dysferlin Registry internal data communication; PP4_Strong). The affected sibling of this patient carried the same two DYSF variants and also had disease range dysferlin protein expression in blood monocytes, but segregation could not be scored since the phase of the variants was not confirmed (PP1 not met). This variant is absent from gnomAD v2.1.1, v3.1.2, and v4.1.0 (PM2_Supporting). In summary, this variant meets the criteria to be classified as Pathogenic for autosomal recessive limb girdle muscular dystrophy based on the ACMG/AMP criteria applied, as specified by the ClinGen LGMD VCEP (LGMD VCEP specifications version 1.0.0; 02/25/2025): PVS1, PP4_Strong, PM2_Supporting.